The following continues an entry in ClinVar:

NM_000506.5(F2):c.*97G>A

Gene: F2. ClinVar aggregate classification (germline): Pathogenic/Likely pathogenic/Pathogenic, low penetrance/Established risk allele; risk factor. Pathogenic (21); Likely pathogenic (2); Pathogenic, low penetrance (1); Established risk allele (1).

Submissions 26 to 36 of 36:

ISTH-SSC Genomics in Thrombosis and Hemostasis, KU Leuven, Center for Molecular and Vascular Biology
Classification: Pathogenic for Thrombophilia due to thrombin defect. Review status: criteria provided, single submitter. Criteria: ACMG Guidelines, 2015. Collection method: clinical testing. Allele origin: unknown. Affected: yes. Observed: 6 heterozygotes.
Comment: GoldVariant submitter: Dr Karyn Mégy NIHR Bioresource - Cambridge University, UK

Kariminejad - Najmabadi Pathology & Genetics Center
Classification: Pathogenic for Congenital prothrombin deficiency. Review status: criteria provided, single submitter. Criteria: ACMG Guidelines, 2015. Collection method: clinical testing. Allele origin: germline. Affected: no.

Reproductive Health Research and Development, BGI Genomics
Classification: risk factor for Hereditary factor II deficiency disease. Last evaluated: 2020-01-06. Review status: no assertion criteria provided. Collection method: curation. Allele origin: germline. Not counted in ClinVar's aggregate classification.
Comment: NM_000506.3:c.*97G>A was reported as 20210G>A in previous publications. NM_000506.3:c.*97G>A in the F2 gene has an allele frequency of 0.012 in European (non-Finnish) subpopulation in the gnomAD database. This variant is a common variant associated with prothrombin-related thrombophilia (PMID: 9569177, 20301327). Heterozygosity for this variant is associated with increased prothrombin levels, and a 2- to 4-fold increased risk of venous thrombosis over the baseline population (PMID: 19289024). Rosendaal et al. (1997) found that the mutation was associated with a 4-fold increased risk of myocardial infarction in women, while among men the risk was increased 1.5-fold (PMID: 9569177). For these reasons, this variant has been classified as At-risk. Taken together, we interprete this variant as a risk factor.

Counsyl
Classification: Pathogenic for Thrombophilia due to thrombin defect. Last evaluated: 2015-08-10. Review status: no assertion criteria provided. Collection method: clinical testing. Allele origin: unknown. Not counted in ClinVar's aggregate classification.

OMIM
Classification: Pathogenic for THROMBOPHILIA DUE TO THROMBIN DEFECT. Last evaluated: 2009-06-17. Review status: no assertion criteria provided. Collection method: literature only. Allele origin: germline. Not counted in ClinVar's aggregate classification.

OMIM
Classification: risk factor for STROKE, ISCHEMIC, SUSCEPTIBILITY TO. Last evaluated: 2009-06-17. Review status: no assertion criteria provided. Collection method: literature only. Allele origin: germline. Not counted in ClinVar's aggregate classification.

OMIM
Classification: risk factor for PREGNANCY LOSS, RECURRENT, SUSCEPTIBILITY TO, 2. Last evaluated: 2009-06-17. Review status: no assertion criteria provided. Collection method: literature only. Allele origin: germline. Not counted in ClinVar's aggregate classification.

Department of Pathology and Laboratory Medicine, Sinai Health System
Classification: Pathogenic for Congenital prothrombin deficiency. Review status: no assertion criteria provided. Collection method: clinical testing. Allele origin: unknown. Affected: yes. Study: The Canadian Open Genetics Repository (COGR). Not counted in ClinVar's aggregate classification.
Comment: The F2 3' UTR c.*97G>A variant was identified in dbSNP (rs1799963) and Clinvar (classified as pathogenic by Counsyl and Mendelics in relation to venous thrombosis; mixed predictions of pathogenicity in association with congenital prothrombin deficiency). The F2 3' UTR c.*97G>A variant, historically called the prothrombin 20210G>A variant, is associated with increased prothrombin levels in the heterozygous state and has been found to be associated with a 2- to 3-fold increased risk of venous thrombosis over the baseline population (Foy_2009_19289024; Ho_2006_16606808). However, the estimated population attributable risk of recurrence for venous thromboembolism is modest (approximately 6.7%; 5% CI, 3.4-9.9%) and likely does not warrant extended anticoagulation treatment (Ho_2006_16606808). The prothrombin 20210G>A variant disrupts the F2 cleavage signal within the 3' UTR, causing increased cleavage site recognition and subsequently increased 3' end processing, mRNA accumulation, protein synthesis, and ultimately elevated plasma prothrombin concentrations (Gehring_2001_11443298). The variant was identified in control databases in 265 of 31396 chromosomes (1 homozygous) at a frequency of 0.8441%, and was observed at the highest frequency in the Latino population in 15 of 848 chromosomes (freq: 0.01769) (Genome Aggregation Database March 6, 2019, v2.1.1). The The F2 3' UTR c.*97G>A variant is not conserved in mammals. In silico predictions predicting the impact of the The F2 3' UTR c.*97G>A variant to the protein are not available. In summary, based on the above information this variant meets our laboratory's criteria to be classified as pathogenic.

Department of Pathology and Laboratory Medicine, Sinai Health System
Classification: Established risk allele for Thrombophilia caused by F2 prothrombin deficiency. Review status: no assertion criteria provided. Collection method: research. Allele origin: unknown. Not counted in ClinVar's aggregate classification.
Comment: the same text as in the submission from Department of Pathology and Laboratory Medicine, Sinai Health System above.

GeneReviews
No classification provided. Condition: Thrombophilia due to thrombin defect. Review status: no classification provided. Collection method: literature only. Allele origin: germline. Not counted in ClinVar's aggregate classification.
Comment: assoc with increased plasma levels of prothrombin

Centre for Mendelian Genomics, University Medical Centre Ljubljana
Classification: Uncertain significance for Pregnancy loss, recurrent, susceptibility to, 2. Last evaluated: 2019-06-21. Review status: flagged submission. Criteria: ACMG Guidelines, 2015. Collection method: clinical testing. Allele origin: unknown. Affected: yes. Not counted in ClinVar's aggregate classification.
Comment: This variant was classified as: Uncertain significance. The available evidence on this variant's pathogenicity is insufficient or conflicting. The following ACMG criteria were applied in classifying this variant: PS1.
ClinVar note: Reason: Unnecessary conflicting claim for distinct condition when other classifications are more relevant

Literature cited by the submitters: PubMed 9569177 (cited by Labcorp Genetics (formerly Invitae), Labcorp and OMIM); PubMed 20301327 (cited by 3 submitters); PubMed 19289024 (cited by Labcorp Genetics (formerly Invitae), Labcorp and Women's Health and Genetics/Laboratory Corporation of America, LabCorp); PubMed 8916933 (cited by 4 submitters); PubMed 9886317 (cited by Ambry Genetics); PubMed 10779421 (cited by Ambry Genetics); PubMed 11443298 (cited by 6 submitters); PubMed 15059842 (cited by 4 submitters); PubMed 19531787 (cited by 3 submitters); PubMed 19652888 (cited by Ambry Genetics and Laboratory for Molecular Medicine, Mass General Brigham Personalized Medicine); PubMed 27031503 (cited by 4 submitters); PubMed 28707429 (cited by Ambry Genetics and Women's Health and Genetics/Laboratory Corporation of America, LabCorp); PubMed 38498041 (cited by Ambry Genetics and Women's Health and Genetics/Laboratory Corporation of America, LabCorp); PubMed 39167180 (cited by Ambry Genetics); PubMed 40616445 (cited by Ambry Genetics); PubMed 30297698 (cited by Victorian Clinical Genetics Services, Murdoch Childrens Research Institute and Illumina Laboratory Services, Illumina); PubMed 12038788 (cited by Variantyx, Inc.); PubMed 14717975 (cited by Variantyx, Inc.); PubMed 20553951 (cited by Variantyx, Inc.); PubMed 34110897 (cited by Women's Health and Genetics/Laboratory Corporation of America, LabCorp); PubMed 16606808 (cited by Women's Health and Genetics/Laboratory Corporation of America, LabCorp); PubMed 2825773 (cited by Illumina Laboratory Services, Illumina); PubMed 26085721 (cited by Center of Excellence of Human Genetics, National Research Center); PubMed 34355501 (cited by ISTH-SSC Genomics in Thrombosis and Hemostasis, KU Leuven, Center for Molecular and Vascular Biology); PubMed 19554541 (cited by Counsyl); PubMed 2429850 (cited by Counsyl); PubMed 21243428 (cited by Counsyl); PubMed 19560233 (cited by Counsyl); PubMed 21349849 (cited by Counsyl); PubMed 9462220 (cited by Counsyl); PubMed 11904676 (cited by Counsyl); PubMed 11874997 (cited by Counsyl); PubMed 11358905 (cited by Counsyl); PubMed 23429074 (cited by Counsyl); PubMed 8696333 (cited by Counsyl); PubMed 9106528 (cited by Counsyl); PubMed 8896550 (cited by Counsyl); PubMed 19159930 (cited by Counsyl); PubMed 9694698 (cited by OMIM); PubMed 10233439 (cited by OMIM); PubMed 16493002 (cited by OMIM); PubMed 10477778 (cited by OMIM); PubMed 9292507 (cited by OMIM); PubMed 9531249 (cited by OMIM); PubMed 10027711 (cited by OMIM); PubMed 9869612 (cited by OMIM); PubMed 6305407 (cited by OMIM); PubMed 10233438 (cited by OMIM); PubMed 10348712 (cited by OMIM); PubMed 10348711 (cited by OMIM); PubMed 10348710 (cited by OMIM); PubMed 10336270 (cited by OMIM); PubMed 10406905 (cited by OMIM); PubMed 2222810 (cited by OMIM); PubMed 11796466 (cited by OMIM); PubMed 15534175 (cited by OMIM); PubMed 9493607 (cited by OMIM); PubMed 10544935 (cited by OMIM); PubMed 11506076 (cited by OMIM); NCBI Bookshelf NBK1148 (cited by GeneReviews).